The following is an entry in ClinVar:

NM_025103.4(IFT74):c.665T>C (p.Met222Thr)

Gene: IFT74 (intraflagellar transport 74; plus strand). Cytogenetic location: 9p21.2.
Variant type: single nucleotide variant.
Coding change: c.665T>C on transcript NM_025103.4 (MANE Select); coding-DNA position 665, T replaced by C.
Protein change: p.Met222Thr; replaces methionine 222 with threonine.
Molecular consequence: missense variant.
Genome position (GRCh38, 1-based): chr9:27,009,097, T>C. VCF-style: chr9-27009097-T-C. GRCh37 (hg19) VCF-style: chr9-27009095-T-C.
Other names: c.665T>C (NM_001099222.1, NM_025103.2); c.665T>C, p.Met222Thr (NM_001099222.3, NM_001099223.3, NM_001099224.3 and 1 more transcripts); short protein forms M222T.
Identifiers: ClinVar variation 1558040 (VCV001558040.12), dbSNP rs144847384, ClinGen allele CA5015343.

ClinVar aggregate classification (germline): Conflicting classifications of pathogenicity. Review status: criteria provided, conflicting classifications (1 of 4 stars). 4 submissions from 4 submitters: Uncertain significance (1); Likely benign (1). 2 of the submissions do not count toward it. Last evaluated 2026-01-13.

Conditions:
IFT74-related disorder. Also called: IFT74-related condition; IFT74-Related Disorders.
Optic atrophy. Identifiers: MedGen C0029124, MONDO:0003608, HP:0000648.

Allele frequency attached by ClinVar (database versions not stated): gnomAD exomes 0.00014 and 0.00043; ExAC 0.00053; gnomAD 0.00121 and 0.00123; ESP Exome Variant Server 0.00194; 1000 Genomes Project 30x 0.00344; 1000 Genomes Project 0.00379.
gnomAD v4.1: 403 of 1,612,450 alleles (0.025%); highest among the groups gnomAD compares: African/African-American, 0.42%; no homozygotes.

Submissions (4):

Labcorp Genetics (formerly Invitae), Labcorp
Classification: Likely benign. Last evaluated: 2026-01-13. Review status: criteria provided, single submitter. Criteria: Invitae Variant Classification Sherloc (09022015). Collection method: clinical testing. Allele origin: germline.

GeneDx
Classification: Uncertain significance. Last evaluated: 2025-03-04. Review status: criteria provided, single submitter. Criteria: GeneDx Variant Classification Process June 2021. Collection method: clinical testing. Allele origin: germline. Affected: yes.
Comment: Observed in a large cohort of individuals with schizophrenia (PMID: 28719003); In silico analysis supports that this missense variant has a deleterious effect on protein structure/function; This variant is associated with the following publications: (PMID: 28719003)

PreventionGenetics, part of Exact Sciences
Classification: Likely benign for IFT74-related condition. Last evaluated: 2024-03-13. Review status: no assertion criteria provided. Collection method: clinical testing. Allele origin: germline. Not counted in ClinVar's aggregate classification.
Comment: This variant is classified as likely benign based on ACMG/AMP sequence variant interpretation guidelines (Richards et al. 2015 PMID: 25741868, with internal and published modifications).

Institute of Human Genetics, Univ. Regensburg, Univ. Regensburg
Classification: Uncertain significance for Optic atrophy. Last evaluated: 2022-01-01. Review status: no assertion criteria provided. Criteria: ACMG Guidelines, 2015. Collection method: clinical testing. Allele origin: germline. Affected: yes. Not counted in ClinVar's aggregate classification.